The following is an entry in ClinVar:

ClinVar aggregate classification (germline): Uncertain significance (1 of 4 stars; one submission).

Conditions:
Autosomal dominant nonsyndromic hearing loss 1. Also called: KONIGSMARK SYNDROME; DEAFNESS, AUTOSOMAL DOMINANT 1, WITH OR WITHOUT THROMBOCYTOPENIA. Identifiers: Orphanet 90635, MedGen C1852282, MONDO:0007424, OMIM 124900.
Progressive microcephaly-seizures-cortical blindness-developmental delay syndrome. Also called: Seizures, cortical blindness, and microcephaly syndrome. Identifiers: Orphanet 477814, MedGen C5567650, MONDO:0014714, OMIM 616632.

Submission:

Labcorp Genetics (formerly Invitae), Labcorp
Classification: Uncertain significance for Progressive microcephaly-seizures-cortical blindness-developmental delay syndrome; Autosomal dominant nonsyndromic hearing loss 1. Last evaluated: 2024-01-27. Review status: criteria provided, single submitter. Criteria: Invitae Variant Classification Sherloc (09022015). Collection method: clinical testing. Allele origin: germline.
Comment: This sequence change replaces alanine, which is neutral and non-polar, with valine, which is neutral and non-polar, at codon 282 of the DIAPH1 protein (p.Ala282Val). This variant is not present in population databases (gnomAD no frequency). This variant has not been reported in the literature in individuals affected with DIAPH1-related conditions. Experimental studies and prediction algorithms are not available or were not evaluated, and the functional significance of this variant is currently unknown. In summary, the available evidence is currently insufficient to determine the role of this variant in disease. Therefore, it has been classified as a Variant of Uncertain Significance.

NM_005219.5(DIAPH1):c.845C>T (p.Ala282Val)

Gene: DIAPH1 (diaphanous related formin 1; minus strand). Cytogenetic location: 5q31.3.
Variant type: single nucleotide variant.
Coding change: c.845C>T on transcript NM_005219.5 (MANE Select); coding-DNA position 845, C replaced by T.
Protein change: p.Ala282Val; replaces alanine 282 with valine.
Molecular consequence: missense variant.
Genome position (GRCh38, 1-based): chr5:141,579,176, G>A on the plus strand (C>T on the coding strand, the complement: DIAPH1 is on the minus strand). VCF-style: chr5-141579176-G-A. GRCh37 (hg19) VCF-style: chr5-140958743-G-A.
Other names: c.818C>T, p.Ala273Val (NM_001079812.3); c.845C>T, p.Ala282Val (NM_001314007.2); short protein forms A273V, A282V.
Identifiers: ClinVar variation 2945484 (VCV002945484.3), dbSNP rs2513760935, ClinGen allele CA361534130.
Genomic context (GRCh38, chr5:141,579,176, plus strand): 5'-AATCCATCCAGCAGCGGCTGGAAACGTTCCACTTCATCCATCTCAGCTCTTTCTGTCATT[G>A]CCTCCAAAACCCTTTCATTCCTGCCCAAGAGAAAGGAAACGGAGAGAACTTTCCAGGTAC-3'
Protein context (NP_005210.3, residues 272-292): PEDMNERVLE[Ala282Val]MTERAEMDEV